The following is an entry in ClinVar:

NM_001267550.2(TTN):c.49937G>A (p.Arg16646Gln)

Genes: TTN-AS1 (TTN antisense RNA 1; plus strand), TTN (titin; minus strand). Cytogenetic location: 2q31.2.
Variant type: single nucleotide variant.
Coding change: c.49937G>A on transcript NM_001267550.2 (MANE Select); coding-DNA position 49937, G replaced by A.
Protein change: p.Arg16646Gln; replaces arginine 16646 with glutamine.
Molecular consequence: missense variant.
Genome position (GRCh38, 1-based): chr2:178,612,784, C>T on the plus strand (G>A on the coding strand, the complement: TTN is on the minus strand). VCF-style: chr2-178612784-C-T. GRCh37 (hg19) VCF-style: chr2-179477511-C-T.
Other names: c.45014G>A, p.Arg15005Gln (NM_001256850.1); c.22742G>A, p.Arg7581Gln (NM_003319.4); c.42233G>A, p.Arg14078Gln (NM_133378.4); c.23117G>A, p.Arg7706Gln (NM_133432.3); c.23318G>A, p.Arg7773Gln (NM_133437.4); short protein forms R16646Q, R15005Q, R7581Q, R7773Q, R14078Q, R7706Q.
Identifiers: ClinVar variation 534982 (VCV000534982.14), dbSNP rs746384579, ClinGen allele CA1994491.
Genomic context (GRCh38, chr2:178,612,784, plus strand): 5'-GGCAGATATTAGAAGAATTTATATATCCCAGACATCAAGAGTGACTTACATAGCTTCTCC[C>T]GGCAAAGCACAGGGTCACTGGGTTCACTGGGTTCACTTTCCCCAGCCTTATTCACAGCTC-3'
Protein context (NP_001254479.2, residues 16636-16656): PSEPSDPVLC[Arg16646Gln]EKLYPPSPPR

ClinVar aggregate classification (germline): Uncertain significance. Review status: criteria provided, multiple submitters, no conflicts (2 of 4 stars). 10 submissions from 10 submitters: Uncertain significance (4). 6 of the submissions do not count toward it. Last evaluated 2026-08-01.

Conditions:
Autosomal recessive limb-girdle muscular dystrophy type 2J (LGMDR10). Also called: MUSCULAR DYSTROPHY, LIMB-GIRDLE, AUTOSOMAL RECESSIVE 10; Limb-girdle muscular dystrophy, type 2J. Identifiers: Orphanet 140922, MedGen C1837342, MONDO:0012127, OMIM 608807.
Dilated cardiomyopathy 1G (CMD1G). Identifiers: Orphanet 154, MedGen C1858763, MONDO:0011400, OMIM 604145.

Allele frequency attached by ClinVar (database versions not stated): ExAC 0.00004; gnomAD exomes 0.00004 and 0.00006; TOPMed 0.00005; gnomAD 0.00006.
gnomAD v4.1: 62 of 1,609,284 alleles (0.0039%); highest among the groups gnomAD compares: South Asian, 0.0089%; no homozygotes.

Submissions (10):

CeGaT Center for Human Genetics Tuebingen
Classification: Uncertain significance. Last evaluated: 2026-08-01. Review status: criteria provided, single submitter. Criteria: CeGaT Center For Human Genetics Tuebingen Variant Classification Criteria Version 2. Collection method: clinical testing. Allele origin: germline. Affected: yes. Observed: 1 variant allele.
Comment: TTN: PM2, BP1

Athena Diagnostics
Classification: Uncertain significance. Last evaluated: 2019-06-06. Review status: criteria provided, single submitter. Criteria: Athena Diagnostics Criteria. Collection method: clinical testing. Allele origin: germline.

Revvity Omics, Revvity
Classification: Uncertain significance. Last evaluated: 2019-04-17. Review status: criteria provided, single submitter. Criteria: ACMG Guidelines, 2015. Collection method: clinical testing. Allele origin: germline.

Labcorp Genetics (formerly Invitae), Labcorp
Classification: Uncertain significance for Dilated cardiomyopathy 1G; Autosomal recessive limb-girdle muscular dystrophy type 2J. Last evaluated: 2017-12-06. Review status: criteria provided, single submitter. Criteria: Invitae Variant Classification Sherloc (09022015). Collection method: clinical testing. Allele origin: germline.
Comment: This sequence change replaces arginine with glutamine at codon 16646 of the TTN protein (p.Arg16646Gln). The arginine residue is moderately conserved and there is a small physicochemical difference between arginine and glutamine. This variant is present in population databases (rs746384579, ExAC 0.01%). This variant has not been reported in the literature in individuals with TTN-related disease. This variant identified in the TTN gene is located in the A band of the resulting protein (PMID: 25589632). It is unclear how this variant impacts the function of this protein. Algorithms developed to predict the effect of missense changes on protein structure and function are unavailable for the TTN gene. Algorithms developed to predict the effect of sequence changes on RNA splicing suggest that this variant may create or strengthen a splice site, but this prediction has not been confirmed by published transcriptional studies. In summary, this variant is a novel missense change with unknown impact on protein function. Missense variants in this region of the TTN gene are typically not causative for cardiac disease, but may be relevant for neuromuscular disorders. However, the available evidence is currently insufficient to determine this variant‚Äôs role in disease. Therefore, it has been classified as a Variant of Uncertain Significance.

Clinical Genetics DNA and cytogenetics Diagnostics Lab, Erasmus MC, Erasmus Medical Center
Classification: Uncertain significance. Review status: no assertion criteria provided. Collection method: clinical testing. Allele origin: germline. Affected: yes. Study: VKGL Data-share Consensus. Not counted in ClinVar's aggregate classification.

Clinical Genetics, Academic Medical Center
Classification: Uncertain significance. Review status: no assertion criteria provided. Collection method: clinical testing. Allele origin: germline. Affected: yes. Study: VKGL Data-share Consensus. Not counted in ClinVar's aggregate classification.

Diagnostic Laboratory, Department of Genetics, University Medical Center Groningen
Classification: Uncertain significance. Review status: no assertion criteria provided. Collection method: clinical testing. Allele origin: germline. Affected: yes. Study: VKGL Data-share Consensus. Not counted in ClinVar's aggregate classification.

Genome Diagnostics Laboratory, University Medical Center Utrecht
Classification: Uncertain significance. Review status: no assertion criteria provided. Collection method: clinical testing. Allele origin: germline. Affected: yes. Study: VKGL Data-share Consensus. Not counted in ClinVar's aggregate classification.

Joint Genome Diagnostic Labs from Nijmegen and Maastricht, Radboudumc and MUMC+
Classification: Uncertain significance. Review status: no assertion criteria provided. Collection method: clinical testing. Allele origin: germline. Affected: yes. Study: VKGL Data-share Consensus. Not counted in ClinVar's aggregate classification.

Laboratory of Diagnostic Genome Analysis, Leiden University Medical Center (LUMC)
Classification: Uncertain significance. Review status: no assertion criteria provided. Collection method: clinical testing. Allele origin: germline. Affected: yes. Study: VKGL Data-share Consensus. Not counted in ClinVar's aggregate classification.

Literature cited by the submitters: PubMed 25589632 (cited by Labcorp Genetics (formerly Invitae), Labcorp).